The following is an entry in ClinVar:

NM_001042492.3(NF1):c.4285A>T (p.Lys1429Ter)

Gene: NF1 (neurofibromin 1; plus strand). Cytogenetic location: 17q11.2.
Variant type: single nucleotide variant.
Coding change: c.4285A>T on transcript NM_001042492.3 (MANE Select); coding-DNA position 4285, A replaced by T.
Protein change: p.Lys1429Ter; replaces lysine 1429 with a stop codon.
Molecular consequence: nonsense.
Genome position (GRCh38, 1-based): chr17:31,258,455, A>T. VCF-style: chr17-31258455-A-T. GRCh37 (hg19) VCF-style: chr17-29585473-A-T.
Other names: c.4222A>T, p.Lys1408Ter (NM_000267.4); short protein forms K1408*, K1429*.
Identifiers: ClinVar variation 803356 (VCV000803356.4), dbSNP rs758915600, ClinGen allele CA398998015.

ClinVar aggregate classification (germline): Pathogenic/Likely pathogenic. Review status: criteria provided, multiple submitters, no conflicts (2 of 4 stars). 2 submissions from 2 submitters: Pathogenic (1); Likely pathogenic (1). Last evaluated 2023-03-17.

Conditions:
Neurofibromatosis, type 1 (NF1). Also called: Peripheral type neurofibromatosis; NEUROFIBROMATOSIS, TYPE I, SOMATIC; Neurofibromatosis, type I; VON RECKLINGHAUSEN DISEASE. Identifiers: Orphanet 636, MedGen C0027831, MONDO:0018975, OMIM 162200. Disease mechanism: loss of function.

Submissions (2):

Labcorp Genetics (formerly Invitae), Labcorp
Classification: Pathogenic for Neurofibromatosis, type 1. Last evaluated: 2023-03-17. Review status: criteria provided, single submitter. Criteria: Invitae Variant Classification Sherloc (09022015). Collection method: clinical testing. Allele origin: germline.
Comment: For these reasons, this variant has been classified as Pathogenic. ClinVar contains an entry for this variant (Variation ID: 803356). This variant has not been reported in the literature in individuals affected with NF1-related conditions. This variant is not present in population databases (gnomAD no frequency). This sequence change creates a premature translational stop signal (p.Lys1408*) in the NF1 gene. It is expected to result in an absent or disrupted protein product. Loss-of-function variants in NF1 are known to be pathogenic (PMID: 10712197, 23913538).

Mendelics
Classification: Likely pathogenic for Neurofibromatosis, type 1. Last evaluated: 2019-05-28. Review status: criteria provided, single submitter. Criteria: Mendelics Assertion Criteria 2017. Collection method: clinical testing. Allele origin: unknown.

Literature cited by the submitters: PubMed 10712197 (cited by Labcorp Genetics (formerly Invitae), Labcorp); PubMed 23913538 (cited by Labcorp Genetics (formerly Invitae), Labcorp).